The following is an entry in ClinVar:

NM_001458.5(FLNC):c.7000G>T (p.Glu2334Ter)

Genes: FLNC-AS1 (FLNC antisense RNA 1; minus strand), FLNC (filamin C; plus strand). Cytogenetic location: 7q32.1.
Variant type: single nucleotide variant.
Coding change: c.7000G>T on transcript NM_001458.5 (MANE Select); coding-DNA position 7000, G replaced by T.
Protein change: p.Glu2334Ter; replaces glutamic acid 2334 with a stop codon.
Molecular consequence: nonsense.
Genome position (GRCh38, 1-based): chr7:128,854,777, G>T. VCF-style: chr7-128854777-G-T. GRCh37 (hg19) VCF-style: chr7-128494831-G-T.
Other names: c.6901G>T, p.Glu2301Ter (NM_001127487.2); short protein forms E2301*, E2334*.
Identifiers: ClinVar variation 2941067 (VCV002941067.4), dbSNP rs1808984299, ClinGen allele CA369214851.

ClinVar aggregate classification (germline): Pathogenic. Review status: criteria provided, multiple submitters, no conflicts (2 of 4 stars). 2 submissions from 2 submitters: Pathogenic (2). Last evaluated 2024-04-10.

Conditions:
Cardiovascular phenotype. Identifiers: MedGen CN230736.
Hypertrophic cardiomyopathy 26. Also called: Cardiomyopathy, familial hypertrophic, 26. Identifiers: Orphanet 75249, MedGen C4310749, MONDO:0014883, OMIM 617047.
Myofibrillar myopathy 5. Also called: Filaminopathy (type); FILAMINOPATHY, AUTOSOMAL DOMINANT. Identifiers: Orphanet 171445, MedGen C1836050, MONDO:0012289, OMIM 609524.
Distal myopathy with posterior leg and anterior hand involvement. Also called: WILLIAMS DISTAL MYOPATHY. Identifiers: Orphanet 63273, MedGen C3279722, MONDO:0013550, OMIM 614065.

Submissions (2):

Ambry Genetics
Classification: Pathogenic for Cardiovascular phenotype. Last evaluated: 2024-04-10. Review status: criteria provided, single submitter. Criteria: Ambry Variant Classification Scheme 2023. Collection method: clinical testing. Allele origin: germline.
Comment: The p.E2334* pathogenic mutation (also known as c.7000G>T), located in coding exon 42 of the FLNC gene, results from a G to T substitution at nucleotide position 7000. This changes the amino acid from a glutamic acid to a stop codon within coding exon 42. This variant is considered to be rare based on population cohorts in the Genome Aggregation Database (gnomAD). This alteration is expected to result in loss of function by premature protein truncation or nonsense-mediated mRNA decay. As such, this alteration is interpreted as a disease-causing mutation for FLNC-related dilated cardiomyopathy; however, its clinical significance for FLNC-related hypertrophic/restrictive cardiomyopathy and/or skeletal myopathy is uncertain.

Labcorp Genetics (formerly Invitae), Labcorp
Classification: Pathogenic for Distal myopathy with posterior leg and anterior hand involvement; Myofibrillar myopathy 5; Hypertrophic cardiomyopathy 26. Last evaluated: 2023-05-16. Review status: criteria provided, single submitter. Criteria: Invitae Variant Classification Sherloc (09022015). Collection method: clinical testing. Allele origin: germline.
Comment: This variant is not present in population databases (gnomAD no frequency). For these reasons, this variant has been classified as Pathogenic. Algorithms developed to predict the effect of sequence changes on RNA splicing suggest that this variant may create or strengthen a splice site. This variant has not been reported in the literature in individuals affected with FLNC-related conditions. This sequence change creates a premature translational stop signal (p.Glu2334*) in the FLNC gene. It is expected to result in an absent or disrupted protein product. Loss-of-function variants in FLNC are known to be pathogenic (PMID: 27908349).

Literature cited by the submitters: PubMed 27908349 (cited by Labcorp Genetics (formerly Invitae), Labcorp).